The following is an entry in ClinVar:

NM_000426.4(LAMA2):c.525G>C (p.Glu175Asp)

Gene: LAMA2 (laminin subunit alpha 2; plus strand). Cytogenetic location: 6q22.33.
Variant type: single nucleotide variant.
Coding change: c.525G>C on transcript NM_000426.4 (MANE Select); coding-DNA position 525, G replaced by C.
Protein change: p.Glu175Asp; replaces glutamic acid 175 with aspartic acid.
Molecular consequence: missense variant.
Genome position (GRCh38, 1-based): chr6:129,098,301, G>C. VCF-style: chr6-129098301-G-C. GRCh37 (hg19) VCF-style: chr6-129419446-G-C.
Other names: c.525G>C, p.Glu175Asp (NM_001079823.2); short protein forms E175D.
Identifiers: ClinVar variation 432590 (VCV000432590.4), dbSNP rs1554217596, ClinGen allele CA365829310.

ClinVar aggregate classification (germline): Uncertain significance. Review status: criteria provided, multiple submitters, no conflicts (2 of 4 stars). 3 submissions from 3 submitters: Uncertain significance (3). Last evaluated 2023-04-12.

Conditions:
LAMA2-related muscular dystrophy (LAMA2-RD). Also called: Laminin alpha 2-related dystrophy. Identifiers: MedGen C5679788, MONDO:0100228.

Submissions (3):

Blueprint Genetics
Classification: Uncertain significance. Last evaluated: 2023-04-12. Review status: criteria provided, single submitter. Criteria: ACMG Guidelines, 2015. Collection method: clinical testing. Allele origin: germline.

Labcorp Genetics (formerly Invitae), Labcorp
Classification: Uncertain significance for Laminin alpha 2-related dystrophy. Last evaluated: 2018-12-10. Review status: criteria provided, single submitter. Criteria: Invitae Variant Classification Sherloc (09022015). Collection method: clinical testing. Allele origin: germline.
Comment: This sequence change replaces glutamic acid with aspartic acid at codon 175 of the LAMA2 protein (p.Glu175Asp). The glutamic acid residue is moderately conserved and there is a small physicochemical difference between glutamic acid and aspartic acid. This variant is not present in population databases (ExAC no frequency). This variant has not been reported in the literature in individuals with LAMA2-related disease. ClinVar contains an entry for this variant (Variation ID: 432590). Algorithms developed to predict the effect of missense changes on protein structure and function are either unavailable or do not agree on the potential impact of this missense change (SIFT: "Tolerated"; PolyPhen-2: "Probably Damaging"; Align-GVGD: "Class C0"). In summary, the available evidence is currently insufficient to determine the role of this variant in disease. Therefore, it has been classified as a Variant of Uncertain Significance.

GeneDx
Classification: Uncertain significance. Last evaluated: 2017-06-08. Review status: criteria provided, single submitter. Criteria: GeneDx Variant Classification (06012015). Collection method: clinical testing. Allele origin: germline. Affected: yes.
Comment: The E175D variant in the LAMA2 gene has not been reported previously as a pathogenic variant, nor as a benign variant, to our knowledge. The E175D variant is not observed in large population cohorts (Lek et al., 2016; 1000 Genomes Consortium et al., 2015; Exome Variant Server). The E175D variant is a conservative amino acid substitution, which is not likely to impact secondary protein structure as these residues share similar properties. This substitution occurs at a position that is conserved across species. In silico analysis is inconsistent in its predictions as to whether or not the variant is damaging to the protein structure/function. We interpret E175D as a variant of uncertain significance.